The following is an entry in ClinVar:

ClinVar aggregate classification (germline): Conflicting classifications of pathogenicity. Review status: criteria provided, conflicting classifications (1 of 4 stars). 2 submissions from 2 submitters: Uncertain significance (1); Likely benign (1). Last evaluated 2026-07-27.

Conditions:
Inborn genetic diseases. Identifiers: MedGen C0950123, MeSH D030342.
GRN-related frontotemporal lobar degeneration with Tdp43 inclusions (FTD2). Also called: GRN Frontotemporal Dementia; FRONTOTEMPORAL DEMENTIA WITH TDP43 INCLUSIONS, GRN-RELATED; DEMENTIA, HEREDITARY DYSPHASIC DISINHIBITION; FRONTOTEMPORAL LOBAR DEGENERATION WITH UBIQUITIN-POSITIVE INCLUSIONS; FTLD-TDP, GRN-RELATED. Identifiers: Orphanet 100070, Orphanet 282, MedGen C1843792, MONDO:0011842, OMIM 607485. Disease mechanism: loss of function.
Neuronal ceroid lipofuscinosis 11. Also called: GRN-Related Neuronal Ceroid-Lipofuscinosis. Identifiers: Orphanet 314629, Orphanet 79262, MedGen C3539123, MONDO:0013866, OMIM 614706.

Allele frequency attached by ClinVar (database versions not stated): TOPMed 0.00001; gnomAD 0.00002; ExAC 0.00006; gnomAD exomes 0.00004.
gnomAD v4.1: 56 of 1,607,970 alleles (0.0035%); highest among the groups gnomAD compares: South Asian, 0.058%; 1 homozygote.

Submissions (2):

Ambry Genetics
Classification: Likely benign for Inborn genetic diseases. Last evaluated: 2026-07-27. Review status: criteria provided, single submitter. Criteria: Ambry Variant Classification Scheme 2023. Collection method: clinical testing. Allele origin: germline.

Labcorp Genetics (formerly Invitae), Labcorp
Classification: Uncertain significance for Neuronal ceroid lipofuscinosis 11; GRN-related frontotemporal lobar degeneration with Tdp43 inclusions. Last evaluated: 2024-05-16. Review status: criteria provided, single submitter. Criteria: Invitae Variant Classification Sherloc (09022015). Collection method: clinical testing. Allele origin: germline.
Comment: This sequence change affects codon 471 of the GRN mRNA. It is a 'silent' change, meaning that it does not change the encoded amino acid sequence of the GRN protein. It affects a nucleotide within the consensus splice site. This variant is present in population databases (rs772641246, gnomAD 0.04%). This variant has not been reported in the literature in individuals affected with GRN-related conditions. Algorithms developed to predict the effect of sequence changes on RNA splicing suggest that this variant is not likely to affect RNA splicing. In summary, the available evidence is currently insufficient to determine the role of this variant in disease. Therefore, it has been classified as a Variant of Uncertain Significance.

NM_002087.4(GRN):c.1413T>C (p.His471=)

Gene: GRN (granulin precursor; plus strand). Cytogenetic location: 17q21.31.
Variant type: single nucleotide variant.
Coding change: c.1413T>C on transcript NM_002087.4 (MANE Select); coding-DNA position 1413, T replaced by C.
Protein change: p.His471=; no amino-acid change (histidine 471 retained).
Molecular consequence: synonymous variant.
Genome position (GRCh38, 1-based): chr17:44,352,248, T>C. VCF-style: chr17-44352248-T-C. GRCh37 (hg19) VCF-style: chr17-42429616-T-C.
Identifiers: ClinVar variation 2922564 (VCV002922564.4), dbSNP rs772641246, ClinGen allele CA8602186.